The following is an entry in ClinVar:

NM_018677.4(ACSS2):c.1026G>A (p.Lys342=)

Gene: ACSS2 (acyl-CoA synthetase short chain family member 2; plus strand). Cytogenetic location: 20q11.22.
Variant type: single nucleotide variant.
Coding change: c.1026G>A on transcript NM_018677.4 (MANE Select); coding-DNA position 1026, G replaced by A.
Protein change: p.Lys342=; no amino-acid change (lysine 342 retained).
Molecular consequence: synonymous variant.
Genome position (GRCh38, 1-based): chr20:34,920,592, G>A. VCF-style: chr20-34920592-G-A. GRCh37 (hg19) VCF-style: chr20-33508395-G-A.
Other names: c.1065G>A, p.Lys355= (NM_001076552.3); c.741G>A, p.Lys247= (NM_001242393.2).
Identifiers: ClinVar variation 3043271 (VCV003043271.2), dbSNP rs60867847, ClinGen allele CA9825466.

ClinVar aggregate classification (germline): Likely benign (0 of 4 stars; one submission).

Conditions:
ACSS2-related disorder. Also called: ACSS2-related condition.

Allele frequency attached by ClinVar (database versions not stated): gnomAD exomes 0.00016; ESP Exome Variant Server 0.00077; TOPMed 0.00144; 1000 Genomes Project 30x 0.00156; 1000 Genomes Project 0.00200.

Submission:

PreventionGenetics, part of Exact Sciences
Classification: Likely benign for ACSS2-related condition. Last evaluated: 2019-06-25. Review status: no assertion criteria provided. Collection method: clinical testing. Allele origin: germline.
Comment: This variant is classified as likely benign based on ACMG/AMP sequence variant interpretation guidelines (Richards et al. 2015 PMID: 25741868, with internal and published modifications).